The following is an entry in ClinVar:

ClinVar aggregate classification (germline): Uncertain significance (0 of 4 stars; one submission).

Conditions:
SEMA3C-related disorder. Also called: SEMA3C-related condition.

Submission:

PreventionGenetics, part of Exact Sciences
Classification: Uncertain significance for SEMA3C-related condition. Last evaluated: 2024-04-30. Review status: no assertion criteria provided. Collection method: clinical testing. Allele origin: germline.
Comment: The SEMA3C c.1650C>G variant is predicted to result in the amino acid substitution p.Cys550Trp. To our knowledge, this variant has not been reported in the literature or in a large population database, indicating this variant is rare. At this time, the clinical significance of this variant is uncertain due to the absence of conclusive functional and genetic evidence.

NM_006379.5(SEMA3C):c.1596C>G (p.Cys532Trp)

Gene: SEMA3C (semaphorin 3C; minus strand). Cytogenetic location: 7q21.11.
Variant type: single nucleotide variant.
Coding change: c.1596C>G on transcript NM_006379.5 (MANE Select); coding-DNA position 1596, C replaced by G.
Protein change: p.Cys532Trp; replaces cysteine 532 with tryptophan.
Molecular consequence: missense variant.
Genome position (GRCh38, 1-based): chr7:80,758,378, G>C on the plus strand (C>G on the coding strand, the complement: SEMA3C is on the minus strand). VCF-style: chr7-80758378-G-C. GRCh37 (hg19) VCF-style: chr7-80387694-G-C.
Other names: c.1650C>G, p.Cys550Trp (NM_001350120.2); c.1422C>G, p.Cys474Trp (NM_001350121.2); short protein forms C474W, C532W, C550W.
Identifiers: ClinVar variation 3346736 (VCV003346736.1).